The following is an entry in ClinVar:

NM_001367624.2(ZNF469):c.4771G>T (p.Ala1591Ser)

Gene: ZNF469 (zinc finger protein 469; plus strand). Cytogenetic location: 16q24.2.
Variant type: single nucleotide variant.
Coding change: c.4771G>T on transcript NM_001367624.2 (MANE Select); coding-DNA position 4771, G replaced by T.
Protein change: p.Ala1591Ser; replaces alanine 1591 with serine.
Molecular consequence: missense variant.
Genome position (GRCh38, 1-based): chr16:88,432,241, G>T. VCF-style: chr16-88432241-G-T. GRCh37 (hg19) VCF-style: chr16-88498649-G-T.
Other names: NM_001127464.1:c.4687G>T; short protein forms A1591S.
Identifiers: ClinVar variation 452969 (VCV000452969.10), dbSNP rs755066385, ClinGen allele CA8225004.
Genomic context (GRCh38, chr16:88,432,241, plus strand): 5'-TTAGAAAGTCAGCTGCAAAGGAGCAAAGACACACGTGGGGCCCCGAGAGAGCTTGCAGAA[G>T]CTGAGTCGGTGGGCAGGGTGGAGCTCGGCACAGGCACAGAGCCACCCTCCCAACGGCGCA-3'
Protein context (NP_001354553.1, residues 1581-1601): TRGAPRELAE[Ala1591Ser]ESVGRVELGT

ClinVar aggregate classification (germline): Uncertain significance. Review status: criteria provided, multiple submitters, no conflicts (2 of 4 stars). 4 submissions from 4 submitters: Uncertain significance (4). Last evaluated 2025-07-16.

Conditions:
Cardiovascular phenotype. Identifiers: MedGen CN230736.
Brittle cornea syndrome 1 (BCS1). Also called: Corneal fragility keratoglobus, blue sclerae AND joint hypermobility; CORNEAL FRAGILITY, KERATOGLOBUS, BLUE SCLERAE, JOINT HYPEREXTENSIBILITY; EDS6B; FRAGILITAS OCULI WITH JOINT HYPEREXTENSIBILITY; DYSGENESIS MESODERMALIS CORNEAE ET SCLERAE. Identifiers: Orphanet 90354, MedGen C0268344, MONDO:0024543, OMIM 229200.

Allele frequency attached by ClinVar (database versions not stated): gnomAD exomes 0.00003; gnomAD 0.00006 and 0.00007; TOPMed 0.00006; ExAC 0.00006.
gnomAD v4.1: 121 of 1,548,920 alleles (0.0078%); highest among the groups gnomAD compares: Non-Finnish European, 0.01%; no homozygotes.

Submissions (4):

Women's Health and Genetics/Laboratory Corporation of America, LabCorp
Classification: Uncertain significance. Last evaluated: 2025-07-16. Review status: criteria provided, single submitter. Criteria: LabCorp Variant Classification Summary - May 2015. Collection method: clinical testing. Allele origin: germline.
Comment: Variant summary: ZNF469 c.4771G>T (p.Ala1591Ser) results in a conservative amino acid change in the encoded protein sequence. Algorithms developed to predict the effect of missense changes on protein structure and function all suggest that this variant is likely to be tolerated. The variant allele was found at a frequency of 3.3e-05 in 151884 control chromosomes. The available data on variant occurrences in the general population are insufficient to allow any conclusion about variant significance. To our knowledge, no occurrence of c.4771G>T in individuals affected with Brittle cornea syndrome 1 and no experimental evidence demonstrating its impact on protein function have been reported. ClinVar contains an entry for this variant (Variation ID: 452969). Based on the evidence outlined above, the variant was classified as uncertain significance.

GeneDx
Classification: Uncertain significance. Last evaluated: 2024-09-17. Review status: criteria provided, single submitter. Criteria: GeneDx Variant Classification Process June 2021. Collection method: clinical testing. Allele origin: germline. Affected: yes.
Comment: Not observed at significant frequency in large population cohorts (gnomAD); In silico analysis indicates that this missense variant does not alter protein structure/function; Has not been previously published as pathogenic or benign to our knowledge

Ambry Genetics
Classification: Uncertain significance for Cardiovascular phenotype. Last evaluated: 2022-02-21. Review status: criteria provided, single submitter. Criteria: Ambry Variant Classification Scheme 2023. Collection method: clinical testing. Allele origin: germline.
Comment: The p.A1563S variant (also known as c.4687G>T), located in coding exon 2 of the ZNF469 gene, results from a G to T substitution at nucleotide position 4687. The alanine at codon 1563 is replaced by serine, an amino acid with similar properties. This amino acid position is conserved. In addition, this alteration is predicted to be tolerated by in silico analysis. Since supporting evidence is limited at this time, the clinical significance of this alteration remains unclear.

Revvity Omics, Revvity
Classification: Uncertain significance for Brittle cornea syndrome 1. Last evaluated: 2019-11-06. Review status: criteria provided, single submitter. Criteria: ACMG Guidelines, 2015. Collection method: clinical testing. Allele origin: germline.